The following is an entry in ClinVar:

ClinVar aggregate classification (germline): Uncertain significance (1 of 4 stars; one submission).

Submission:

Labcorp Genetics (formerly Invitae), Labcorp
Classification: Uncertain significance. Last evaluated: 2025-12-16. Review status: criteria provided, single submitter. Criteria: Invitae Variant Classification Sherloc (09022015). Collection method: clinical testing. Allele origin: germline.
Comment: This sequence change replaces phenylalanine, which is neutral and non-polar, with leucine, which is neutral and non-polar, at codon 1963 of the CACNA1D protein (p.Phe1963Leu). This variant is not present in population databases (gnomAD no frequency). This variant has not been reported in the literature in individuals affected with CACNA1D-related conditions. An algorithm developed to predict the effect of missense changes on protein structure and function outputs the following: PolyPhen-2: "Benign". The leucine amino acid residue is found in multiple mammalian species, which suggests that this missense change does not adversely affect protein function. In summary, the available evidence is currently insufficient to determine the role of this variant in disease. Therefore, it has been classified as a Variant of Uncertain Significance.

NM_001128840.3(CACNA1D):c.5827T>C (p.Phe1943Leu)

Gene: CACNA1D (calcium voltage-gated channel subunit alpha1 D; plus strand). Cytogenetic location: 3p21.1.
Variant type: single nucleotide variant.
Coding change: c.5827T>C on transcript NM_001128840.3 (MANE Select); coding-DNA position 5827, T replaced by C.
Protein change: p.Phe1943Leu; replaces phenylalanine 1943 with leucine.
Molecular consequence: missense variant.
Genome position (GRCh38, 1-based): chr3:53,808,726, T>C. VCF-style: chr3-53808726-T-C. GRCh37 (hg19) VCF-style: chr3-53842753-T-C.
Other names: c.5887T>C, p.Phe1963Leu (NM_000720.4); c.5755T>C, p.Phe1919Leu (NM_001128839.3); short protein forms F1943L, F1919L, F1963L.
Identifiers: ClinVar variation 4733428 (VCV004733428.1).
Genomic context (GRCh38, chr3:53,808,726, plus strand): 5'-TTCAACTTTGAGTGCCTGCGCCGGCAGAGCAGCCAGGAAGAGGTCCCGTCGTCTCCCATC[T>C]TCCCCCATCGCACGGCCCTGCCTCTGCATCTAATGCAGCAACAGGTGAGCGGCCCACCTG-3'
Protein context (NP_001122312.1, residues 1933-1953): SQEEVPSSPI[Phe1943Leu]PHRTALPLHL